The following is an entry in ClinVar:

NM_144631.6(ZNF513):c.107G>A (p.Ser36Asn)

Gene: ZNF513 (zinc finger protein 513; minus strand). Cytogenetic location: 2p23.3.
Variant type: single nucleotide variant.
Coding change: c.107G>A on transcript NM_144631.6 (MANE Select); coding-DNA position 107, G replaced by A.
Protein change: p.Ser36Asn; replaces serine 36 with asparagine.
Molecular consequence: missense variant. On other transcripts: 5 prime UTR variant (1).
Genome position (GRCh38, 1-based): chr2:27,380,197, C>T on the plus strand (G>A on the coding strand, the complement: ZNF513 is on the minus strand). VCF-style: chr2-27380197-C-T. GRCh37 (hg19) VCF-style: chr2-27603064-C-T.
Other names: c.-80G>A (NM_001201459.2); short protein forms S36N.
Identifiers: ClinVar variation 955453 (VCV000955453.11), dbSNP rs1386438341, ClinGen allele CA346220019.

ClinVar aggregate classification (germline): Uncertain significance. Review status: criteria provided, multiple submitters, no conflicts (2 of 4 stars). 3 submissions from 3 submitters: Uncertain significance (3). Last evaluated 2025-04-07.

Allele frequency attached by ClinVar (database versions not stated): gnomAD 0.00001; gnomAD exomes 0.00001.

Submissions (3):

Ambry Genetics
Classification: Uncertain significance. Last evaluated: 2025-04-07. Review status: criteria provided, single submitter. Criteria: Ambry Variant Classification Scheme 2023. Collection method: clinical testing. Allele origin: germline.

Blueprint Genetics
Classification: Uncertain significance. Last evaluated: 2024-06-11. Review status: criteria provided, single submitter. Criteria: ACMG Guidelines, 2015. Collection method: clinical testing. Allele origin: germline.

Labcorp Genetics (formerly Invitae), Labcorp
Classification: Uncertain significance. Last evaluated: 2019-10-16. Review status: criteria provided, single submitter. Criteria: Invitae Variant Classification Sherloc (09022015). Collection method: clinical testing. Allele origin: germline.
Comment: In summary, the available evidence is currently insufficient to determine the role of this variant in disease. Therefore, it has been classified as a Variant of Uncertain Significance. Algorithms developed to predict the effect of missense changes on protein structure and function are either unavailable or do not agree on the potential impact of this missense change (SIFT: "Deleterious"; PolyPhen-2: "Benign"; Align-GVGD: "Class C0"). This variant has not been reported in the literature in individuals with ZNF513-related conditions. This variant is not present in population databases (ExAC no frequency). This sequence change replaces serine with asparagine at codon 36 of the ZNF513 protein (p.Ser36Asn). The serine residue is highly conserved and there is a small physicochemical difference between serine and asparagine.